The following is an entry in ClinVar:

ClinVar aggregate classification (germline): Likely pathogenic (1 of 4 stars; one submission).

Submission:

Labcorp Genetics (formerly Invitae), Labcorp
Classification: Likely pathogenic. Last evaluated: 2023-01-12. Review status: criteria provided, single submitter. Criteria: Invitae Variant Classification Sherloc (09022015). Collection method: clinical testing. Allele origin: germline.
Comment: ClinVar contains an entry for this variant (Variation ID: 1721483). This missense change has been observed in individual(s) with clinical features of cone-rod dystrophy (Invitae). In at least one individual the data is consistent with being in trans (on the opposite chromosome) from a pathogenic variant. This variant is not present in population databases (gnomAD no frequency). This sequence change replaces proline, which is neutral and non-polar, with serine, which is neutral and polar, at codon 1407 of the ABCA4 protein (p.Pro1407Ser). Advanced modeling of protein sequence and biophysical properties (such as structural, functional, and spatial information, amino acid conservation, physicochemical variation, residue mobility, and thermodynamic stability) performed at Invitae indicates that this missense variant is expected to disrupt ABCA4 protein function. In summary, the currently available evidence indicates that the variant is pathogenic, but additional data are needed to prove that conclusively. Therefore, this variant has been classified as Likely Pathogenic.

NM_000350.3(ABCA4):c.4219C>T (p.Pro1407Ser)

Gene: ABCA4 (ATP binding cassette subfamily A member 4; minus strand). Cytogenetic location: 1p22.1.
Variant type: single nucleotide variant.
Coding change: c.4219C>T on transcript NM_000350.3 (MANE Select); coding-DNA position 4219, C replaced by T.
Protein change: p.Pro1407Ser; replaces proline 1407 with serine.
Molecular consequence: missense variant.
Genome position (GRCh38, 1-based): chr1:94,031,030, G>A on the plus strand (C>T on the coding strand, the complement: ABCA4 is on the minus strand). VCF-style: chr1-94031030-G-A. GRCh37 (hg19) VCF-style: chr1-94496586-G-A.
Other names: c.3997C>T, p.Pro1333Ser (NM_001425324.1); short protein forms P1407S, P1333S.
Identifiers: ClinVar variation 1721483 (VCV001721483.5), dbSNP rs2523729105, ClinGen allele CA341286151.
Genomic context (GRCh38, chr1:94,031,030, plus strand): 5'-AGAATGGTGACCCCGAGTCCGCGCACCTGAAGAAGGTGTACTGCTGCCCATATATCCAGG[G>A]GTGAAGGGTCAAAGCGGGGTATTCGCCAAAAGGAGGGATAACAATAGAAAGCATCAGAGC-3'
Protein context (NP_000341.2, residues 1397-1417): FGEYPALTLH[Pro1407Ser]WIYGQQYTFF